The following is an entry in ClinVar:

NM_003737.4(DCHS1):c.7538G>T (p.Arg2513Leu)

Gene: DCHS1 (dachsous cadherin-related 1; minus strand). Cytogenetic location: 11p15.4.
Variant type: single nucleotide variant.
Coding change: c.7538G>T on transcript NM_003737.4 (MANE Select); coding-DNA position 7538, G replaced by T.
Protein change: p.Arg2513Leu; replaces arginine 2513 with leucine.
Molecular consequence: missense variant.
Genome position (GRCh38, 1-based): chr11:6,624,138, C>A on the plus strand (G>T on the coding strand, the complement: DCHS1 is on the minus strand). VCF-style: chr11-6624138-C-A. GRCh37 (hg19) VCF-style: chr11-6645369-C-A.
Other names: short protein forms R2513L.
Identifiers: ClinVar variation 2822558 (VCV002822558.3), dbSNP rs201457110, ClinGen allele CA379482880.

ClinVar aggregate classification (germline): Uncertain significance (1 of 4 stars; one submission).

gnomAD v4.1: 1 of 1,611,388 alleles (0.000062%); highest among the groups gnomAD compares: South Asian, 0.0011%; no homozygotes.

Submission:

Labcorp Genetics (formerly Invitae), Labcorp
Classification: Uncertain significance. Last evaluated: 2022-12-20. Review status: criteria provided, single submitter. Criteria: Invitae Variant Classification Sherloc (09022015). Collection method: clinical testing. Allele origin: germline.
Comment: This sequence change replaces arginine, which is basic and polar, with leucine, which is neutral and non-polar, at codon 2513 of the DCHS1 protein (p.Arg2513Leu). In summary, the available evidence is currently insufficient to determine the role of this variant in disease. Therefore, it has been classified as a Variant of Uncertain Significance. Advanced modeling of protein sequence and biophysical properties (such as structural, functional, and spatial information, amino acid conservation, physicochemical variation, residue mobility, and thermodynamic stability) has been performed at Invitae for this missense variant, however the output from this modeling did not meet the statistical confidence thresholds required to predict the impact of this variant on DCHS1 protein function. This variant has not been reported in the literature in individuals affected with DCHS1-related conditions. This variant is not present in population databases (gnomAD no frequency).